The following is an entry in ClinVar:

ClinVar aggregate classification (germline): Uncertain significance. Review status: criteria provided, single submitter (1 of 4 stars). 2 submissions from 2 submitters: Uncertain significance (1). 1 of the submissions does not count toward it. Last evaluated 2021-08-26.

Conditions:
Duchenne muscular dystrophy (DMD). Also called: MUSCULAR DYSTROPHY, PSEUDOHYPERTROPHIC PROGRESSIVE, DUCHENNE TYPE; Duchenne Muscular Dystrophy (DMD). Identifiers: Orphanet 98896, MedGen C0013264, MONDO:0010679, OMIM 310200.
Dystrophin deficiency.
Becker muscular dystrophy (BMD). Also called: MUSCULAR DYSTROPHY, PSEUDOHYPERTROPHIC PROGRESSIVE, BECKER TYPE; Becker Muscular Dystrophy (BMD). Identifiers: Orphanet 98895, MedGen C0917713, MONDO:0010311, OMIM 300376.
Cardiomyopathy (CMYO). Also called: Cardiomyopathies. Identifiers: Orphanet 167848, MedGen C0878544, MONDO:0004994, HP:0001638. Inheritance: Various modes of inheritance.

Submissions (2):

Labcorp Genetics (formerly Invitae), Labcorp
Classification: Uncertain significance for Duchenne muscular dystrophy. Last evaluated: 2021-08-26. Review status: criteria provided, single submitter. Criteria: Invitae Variant Classification Sherloc (09022015). Collection method: clinical testing. Allele origin: germline.
Comment: This sequence change replaces proline with histidine at codon 2133 of the DMD protein (p.Pro2133His). The proline residue is moderately conserved and there is a moderate physicochemical difference between proline and histidine. This variant is not present in population databases (ExAC no frequency). This variant has not been reported in the literature in individuals affected with DMD-related conditions. Algorithms developed to predict the effect of missense changes on protein structure and function are either unavailable or do not agree on the potential impact of this missense change (SIFT: "Deleterious"; PolyPhen-2: "Probably Damaging"; Align-GVGD: "Class C0"). In summary, the available evidence is currently insufficient to determine the role of this variant in disease. Therefore, it has been classified as a Variant of Uncertain Significance.

Natera, Inc.
Classification: Uncertain significance for Becker muscular dystrophy; Cardiomyopathy; Duchenne muscular dystrophy; Dystrophin deficiency. Last evaluated: 2018-07-24. Review status: no assertion criteria provided. Collection method: clinical testing. Allele origin: germline. Not counted in ClinVar's aggregate classification.

NM_004006.3(DMD):c.6398C>A (p.Pro2133His)

Gene: DMD (dystrophin; minus strand). Cytogenetic location: Xp21.1.
Variant type: single nucleotide variant.
Coding change: c.6398C>A on transcript NM_004006.3 (MANE Select); coding-DNA position 6398, C replaced by A.
Protein change: p.Pro2133His; replaces proline 2133 with histidine.
Molecular consequence: missense variant.
Genome position (GRCh38, 1-based): chrX:32,216,956, G>T on the plus strand (C>A on the coding strand, the complement: DMD is on the minus strand). VCF-style: chrX-32216956-G-T. GRCh37 (hg19) VCF-style: chrX-32235073-G-T.
Other names: c.6374C>A, p.Pro2125His (NM_000109.4); c.6386C>A, p.Pro2129His (NM_004009.3); c.6029C>A, p.Pro2010His (NM_004010.3); c.2375C>A, p.Pro792His (NM_004011.4); c.2366C>A, p.Pro789His (NM_004012.4); short protein forms P2010H, P2125H, P2129H, P2133H, P789H, P792H.
Identifiers: ClinVar variation 1014510 (VCV001014510.7), dbSNP rs2097114550, ClinGen allele CA412660559.